The following is an entry in ClinVar:

ClinVar aggregate classification (germline): Uncertain significance (1 of 4 stars; one submission).

gnomAD v4.1: 24 of 1,613,670 alleles (0.0015%); highest among the groups gnomAD compares: East Asian, 0.0045%; no homozygotes.

Submissions (2):

Labcorp Genetics (formerly Invitae), Labcorp
Classification: Uncertain significance. Last evaluated: 2024-06-20. Review status: criteria provided, single submitter. Criteria: Invitae Variant Classification Sherloc (09022015). Collection method: clinical testing. Allele origin: germline.
Comment: This sequence change replaces arginine, which is basic and polar, with glutamine, which is neutral and polar, at codon 499 of the ACTN1 protein (p.Arg499Gln). This variant is present in population databases (rs765810811, gnomAD 0.02%). This variant has not been reported in the literature in individuals affected with ACTN1-related conditions. An algorithm developed to predict the effect of missense changes on protein structure and function (PolyPhen-2) suggests that this variant is likely to be tolerated. Algorithms developed to predict the effect of sequence changes on RNA splicing suggest that this variant may disrupt the consensus splice site. In summary, the available evidence is currently insufficient to determine the role of this variant in disease. Therefore, it has been classified as a Variant of Uncertain Significance.

Dr. Peter K. Rogan Lab, Western University
No classification provided (evidence only). Condition: Thyroid cancer, nonmedullary, 1. Review status: no classification provided. Collection method: in vitro. Allele origin: not applicable. Functional consequence: retained intron. Not counted in ClinVar's aggregate classification.

NM_001130004.2(ACTN1):c.1496G>A (p.Arg499Gln)

Gene: ACTN1 (actinin alpha 1; minus strand). Cytogenetic location: 14q24.1.
Variant type: single nucleotide variant.
Coding change: c.1496G>A on transcript NM_001130004.2 (MANE Select); coding-DNA position 1496, G replaced by A.
Protein change: p.Arg499Gln; replaces arginine 499 with glutamine.
Molecular consequence: missense variant.
Genome position (GRCh38, 1-based): chr14:68,884,307, C>T on the plus strand (G>A on the coding strand, the complement: ACTN1 is on the minus strand). VCF-style: chr14-68884307-C-T. GRCh37 (hg19) VCF-style: chr14-69351024-C-T.
Other names: c.1301G>A, p.Arg434Gln (NM_001424028.1, NM_001411036.1, NM_001424026.1); c.1496G>A, p.Arg499Gln (NM_001424029.1, NM_001102.4, NM_001130005.2 and 7 more transcripts); c.671G>A, p.Arg224Gln (NM_001424030.1); c.1520G>A, p.Arg507Gln (NM_001411035.1, NM_001424016.1); c.1622G>A, p.Arg541Gln (NM_001424013.1); c.1583G>A, p.Arg528Gln (NM_001424015.1); c.1493G>A, p.Arg498Gln (NM_001424017.1); c.1457G>A, p.Arg486Gln (NM_001424018.1); and 2 more; short protein forms R476Q, R486Q, R507Q, R499Q, R528Q, R434Q, R478Q, R224Q.
Identifiers: ClinVar variation 2960575 (VCV002960575.4), dbSNP rs765810811, ClinGen allele CA7242334.
Genomic context (GRCh38, chr14:68,884,307, plus strand): 5'-GCAGCCCGCTTGGCATACTCCAAGTACAGCTGGTCAATGGTCTCCAGCAGTTTCTCGGTC[C>T]GCTGGGAGTGCCAAATAGGGTAAGGGTTAGTACAGTGATGTCCAGAATCATCCCCCACTC-3'
Protein context (NP_001123476.1, residues 489-509): LTQKRREALE[Arg499Gln]TEKLLETIDQ